The following is an entry in ClinVar:

ClinVar aggregate classification (germline): Conflicting classifications of pathogenicity. Review status: criteria provided, conflicting classifications (1 of 4 stars). 3 submissions from 3 submitters: Uncertain significance (2); Likely benign (1). Last evaluated 2026-05-01.

Conditions:
Congenital myasthenic syndrome 2A. Also called: Myasthenic syndrome, congenital, 2a, slow-channel. Identifiers: Orphanet 590, MedGen C4225374, MONDO:0014581, OMIM 616313.
Congenital myasthenic syndrome 4C (CMS4C). Also called: Myasthenic syndrome, congenital, associated with acetylcholine receptor deficiency. Identifiers: Orphanet 590, MedGen C1837091, MONDO:0012157, OMIM 608931.

Allele frequency attached by ClinVar (database versions not stated): gnomAD 0.00001 and 0.00005; TOPMed 0.00001; gnomAD exomes 0.00004 and 0.00007; ExAC 0.00005; 1000 Genomes Project 30x 0.00031; 1000 Genomes Project 0.00040.
gnomAD v4.1: 111 of 1,613,988 alleles (0.0069%); highest among the groups gnomAD compares: East Asian, 0.22%; no homozygotes.

Submissions (3):

CeGaT Center for Human Genetics Tuebingen
Classification: Likely benign. Last evaluated: 2026-05-01. Review status: criteria provided, single submitter. Criteria: CeGaT Center For Human Genetics Tuebingen Variant Classification Criteria Version 2. Collection method: clinical testing. Allele origin: germline. Affected: yes. Observed: 1 variant allele.
Comment: CHRNB1: BS1

Labcorp Genetics (formerly Invitae), Labcorp
Classification: Uncertain significance for Congenital myasthenic syndrome 2A. Last evaluated: 2025-08-18. Review status: criteria provided, single submitter. Criteria: Invitae Variant Classification Sherloc (09022015). Collection method: clinical testing. Allele origin: germline.
Comment: This sequence change replaces leucine, which is neutral and non-polar, with serine, which is neutral and polar, at codon 79 of the CHRNB1 protein (p.Leu79Ser). This variant is present in population databases (rs142801700, gnomAD 0.05%). This variant has not been reported in the literature in individuals affected with CHRNB1-related conditions. ClinVar contains an entry for this variant (Variation ID: 890187). Invitae Evidence Modeling of protein sequence and biophysical properties (such as structural, functional, and spatial information, amino acid conservation, physicochemical variation, residue mobility, and thermodynamic stability) indicates that this missense variant is not expected to disrupt CHRNB1 protein function with a negative predictive value of 80%. In summary, the available evidence is currently insufficient to determine the role of this variant in disease. Therefore, it has been classified as a Variant of Uncertain Significance.

Illumina Laboratory Services, Illumina
Classification: Uncertain significance for Congenital myasthenic syndrome 4C. Last evaluated: 2018-01-12. Review status: criteria provided, single submitter. Criteria: ICSL Variant Classification Criteria 13 December 2019. Collection method: clinical testing. Allele origin: germline.

NM_000747.3(CHRNB1):c.236T>C (p.Leu79Ser)

Gene: CHRNB1 (cholinergic receptor nicotinic beta 1 subunit; plus strand). Cytogenetic location: 17p13.1.
Variant type: single nucleotide variant.
Coding change: c.236T>C on transcript NM_000747.3 (MANE Select); coding-DNA position 236, T replaced by C.
Protein change: p.Leu79Ser; replaces leucine 79 with serine.
Molecular consequence: missense variant.
Genome position (GRCh38, 1-based): chr17:7,446,106, T>C. VCF-style: chr17-7446106-T-C. GRCh37 (hg19) VCF-style: chr17-7349425-T-C.
Other names: short protein forms L79S.
Identifiers: ClinVar variation 890187 (VCV000890187.13), dbSNP rs142801700, ClinGen allele CA8347687.
Genomic context (GRCh38, chr17:7,446,106, plus strand): 5'-CGCCTTAAATTTTTCCCTTCTAGAACGAGAAGGATGAAGAGATGAGCACAAAGGTGTACT[T>C]AGACCTGGTATGGAGACCCCACGGGGTGGGAAAGGGCTTCCCTCTGCCTTGACAATTTCC-3'
Protein context (NP_000738.2, residues 69-89): KDEEMSTKVY[Leu79Ser]DLEWTDYRLS